The following is an entry in ClinVar:

ClinVar aggregate classification (germline): Conflicting classifications of pathogenicity. Review status: criteria provided, conflicting classifications (1 of 4 stars). 11 submissions from 11 submitters: Uncertain significance (9); Likely benign (2). Last evaluated 2026-05-21.

Conditions:
Endometrial carcinoma. Also called: Endometrial carcinoma, somatic. Identifiers: MedGen C0476089, MONDO:0002447, OMIM 608089, HP:0012114.
Hereditary cancer-predisposing syndrome. Also called: Neoplastic Syndromes, Hereditary; Hereditary Cancer Syndrome; Tumor predisposition; Hereditary neoplastic syndrome. Identifiers: Orphanet 140162, MedGen C0027672, MeSH D009386, MONDO:0015356.
MSH3-related disorder. Also called: MSH3-related condition.
Familial adenomatous polyposis 4 (FAP4). Also called: MSH3-related attenuated familial adenomatous polyposis. Identifiers: Orphanet 480536, MedGen C4310719, MONDO:0044300, OMIM 617100.

Allele frequency attached by ClinVar (database versions not stated): ESP Exome Variant Server 0.00008; gnomAD 0.00012 and 0.00013; TOPMed 0.00012; 1000 Genomes Project 30x 0.00016; gnomAD exomes 0.00017 and 0.00020; 1000 Genomes Project 0.00020; ExAC 0.00026.
gnomAD v4.1: 311 of 1,611,948 alleles (0.019%); highest among the groups gnomAD compares: Non-Finnish European, 0.022%; no homozygotes.

Submissions (11):

PreventionGenetics, part of Exact Sciences
Classification: Uncertain significance for MSH3-related condition. Last evaluated: 2026-05-21. Review status: criteria provided, single submitter. Criteria: ACMG Guidelines, 2015. Collection method: clinical testing. Allele origin: germline.
Comment: The MSH3 c.562C>T variant is predicted to result in the amino acid substitution p.Arg188Cys. This variant was reported as a variant of uncertain significance in a large study of colorectal cancer susceptibility genes (Supplemental Table 2, DeRycke et al. 2017. PubMed ID: 28944238). This variant is reported in 0.048% of alleles in individuals of Ashkenazi Jewish descent in gnomAD and has conflicting interpretations of uncertain significance and likely benign in ClinVar (Variation ID: 639536). Although we suspect that this variant may be benign, at this time, the clinical significance of this variant is uncertain due to the absence of conclusive functional and genetic evidence.

Labcorp Genetics (formerly Invitae), Labcorp
Classification: Uncertain significance. Last evaluated: 2026-01-26. Review status: criteria provided, single submitter. Criteria: Invitae Variant Classification Sherloc (09022015). Collection method: clinical testing. Allele origin: germline.
Comment: This sequence change replaces arginine, which is basic and polar, with cysteine, which is neutral and slightly polar, at codon 188 of the MSH3 protein (p.Arg188Cys). This variant is present in population databases (rs147289289, gnomAD 0.05%). This variant has not been reported in the literature in individuals affected with MSH3-related conditions. ClinVar contains an entry for this variant (Variation ID: 639536). An algorithm developed to predict the effect of missense changes on protein structure and function outputs the following: PolyPhen-2: "Benign". The cysteine amino acid residue is found in multiple mammalian species, which suggests that this missense change does not adversely affect protein function. In summary, the available evidence is currently insufficient to determine the role of this variant in disease. Therefore, it has been classified as a Variant of Uncertain Significance.

Center for Genomic Medicine, Rigshospitalet, Copenhagen University Hospital
Classification: Uncertain significance. Last evaluated: 2025-12-29. Review status: criteria provided, single submitter. Criteria: ACMG Guidelines, 2015. Collection method: clinical testing. Allele origin: germline.

GeneDx
Classification: Uncertain significance. Last evaluated: 2025-09-03. Review status: criteria provided, single submitter. Criteria: GeneDx Variant Classification Process June 2021. Collection method: clinical testing. Allele origin: germline. Affected: yes.
Comment: In silico analysis suggests that this missense variant does not alter protein structure/function; Observed in individual(s) with colorectal cancer (PMID: 28944238); This variant is associated with the following publications: (PMID: 28944238)

Quest Diagnostics Nichols Institute San Juan Capistrano
Classification: Uncertain significance. Last evaluated: 2025-03-06. Review status: criteria provided, single submitter. Criteria: Quest Diagnostics criteria. Collection method: clinical testing. Allele origin: unknown.
Comment: The MSH3 c.562C>T (p.Arg188Cys) variant has been reported in the published literature in an individual affected with colorectal cancer (PMID: 28944238 (2017)). The frequency of this variant in the general population (Genome Aggregation Database) is higher than would generally be expected for pathogenic variants in this gene. Analysis of this variant using bioinformatics tools for the prediction of the effect of amino acid changes on protein structure and function yielded predictions that this variant is benign. Based on the available information, we are unable to determine the clinical significance of this variant.

Baylor Genetics
Classification: Uncertain significance for Endometrial carcinoma. Last evaluated: 2024-03-28. Review status: criteria provided, single submitter. Criteria: ACMG Guidelines, 2015. Collection method: clinical testing. Allele origin: unknown.

CeGaT Center for Human Genetics Tuebingen
Classification: Likely benign. Last evaluated: 2023-12-01. Review status: criteria provided, single submitter. Criteria: CeGaT Center For Human Genetics Tuebingen Variant Classification Criteria Version 2. Collection method: clinical testing. Allele origin: germline. Affected: yes. Observed: 2 variant alleles.
Comment: MSH3: BP1, BP4

Department of Pathology and Laboratory Medicine, Sinai Health System
Classification: Uncertain significance for Endometrial carcinoma; Familial adenomatous polyposis 4. Last evaluated: 2022-07-21. Review status: criteria provided, single submitter. Criteria: ACMG Guidelines, 2015. Collection method: clinical testing. Allele origin: germline. Affected: yes.

Institute for Clinical Genetics, University Hospital TU Dresden, University Hospital TU Dresden
Classification: Uncertain significance. Last evaluated: 2021-11-03. Review status: criteria provided, single submitter. Criteria: ACMG Guidelines, 2015. Collection method: clinical testing. Allele origin: germline.

Sema4
Classification: Uncertain significance for Hereditary cancer-predisposing syndrome. Last evaluated: 2021-09-09. Review status: criteria provided, single submitter. Criteria: Sema4 Curation Guidelines. Collection method: curation. Allele origin: germline.
Comment: The MSH3 c.562C>T (p.R188C) variant has not been reported in the literature to our knowledge. It was observed in 44/282250 chromosomes, with no homozygotes, across all populations in the large and broad cohorts of the Genome Aggregation Database (PMID: 32461654). The variant has been reported in ClinVar (Variation ID 639536). Functional studies have not been performed, and in silico predictions of the variant's effect on protein function are inconclusive. The evidence is insufficient to meet ACMG/AMP criteria for classifying the variant as benign or pathogenic. Thus, the clinical significance of this variant is currently uncertain.

Ambry Genetics
Classification: Likely benign for Hereditary cancer-predisposing syndrome. Last evaluated: 2019-02-12. Review status: criteria provided, single submitter. Criteria: Ambry Variant Classification Scheme 2023. Collection method: clinical testing. Allele origin: germline.

Literature cited by the submitters: PubMed 28944238 (cited by Quest Diagnostics Nichols Institute San Juan Capistrano).

NM_002439.5(MSH3):c.562C>T (p.Arg188Cys)

Gene: MSH3 (mutS homolog 3; plus strand). Cytogenetic location: 5q14.1.
Variant type: single nucleotide variant.
Coding change: c.562C>T on transcript NM_002439.5 (MANE Select); coding-DNA position 562, C replaced by T.
Protein change: p.Arg188Cys; replaces arginine 188 with cysteine.
Molecular consequence: missense variant.
Genome position (GRCh38, 1-based): chr5:80,665,346, C>T. VCF-style: chr5-80665346-C-T. GRCh37 (hg19) VCF-style: chr5-79961165-C-T.
Other names: short protein forms R188C.
Identifiers: ClinVar variation 639536 (VCV000639536.57), dbSNP rs147289289, ClinGen allele CA3327634.